The following is an entry in ClinVar:

ClinVar aggregate classification (germline): Uncertain significance (1 of 4 stars; one submission).

Submission:

GeneDx
Classification: Uncertain significance. Last evaluated: 2014-09-03. Review status: criteria provided, single submitter. Criteria: GeneDx Variant Classification (06012015). Collection method: clinical testing. Allele origin: germline. Affected: yes.
Comment: The c.4561_4569delACTGGTCCT variant has not been published as a mutation, nor has it been reported as a benign polymorphism to our knowledge. The c.4561_4569delACTGGTCCT variant was not observed in approximately 6,500 individuals of European and African American ancestry in the NHLBI Exome Sequencing Project, indicating it is not a common benign variant in these populations. This variant results in an in-frame deletion of three amino acid residues in the COL5A1 gene, effectively ablating one Gly-X-Y repeat in the triple helical region. Other mutations in the COL5A1 gene that cause in-frame deletions have been reported in association with Ehlers-Danlos syndrome. Although c.4561_4569delACTGGTCCT is located in the triple helical region, these residues are not completely conserved across species. Therefore, based on the currently available information, it is unclear whether this variant is a pathogenic mutation or a rare benign variant.

NM_000093.5(COL5A1):c.4561_4569del (p.Thr1521_Pro1523del)

Genes: COL5A1 (collagen type V alpha 1 chain; plus strand), LOC101448202 (uncharacterized LOC101448202; minus strand). Cytogenetic location: 9q34.3.
Variant type: Deletion.
Coding change: c.4561_4569del on transcript NM_000093.5 (MANE Select); coding-DNA positions 4561 to 4569, 9 bases deleted (ACTGGTCCT; older notation c.4561_4569delACTGGTCCT).
Protein change: p.Thr1521_Pro1523del.
Molecular consequence: inframe deletion.
Genome position (GRCh38, 1-based): chr9:134,822,103-134,822,111, ACTGGTCCT deleted. VCF-style (leftmost placement, unchanged base first): chr9-134822102-CACTGGTCCT-C. GRCh37 (hg19) VCF-style: chr9-137713948-CACTGGTCCT-C.
Other names: c.4561_4569del, p.Thr1521_Pro1523del (NM_001278074.1).
Identifiers: ClinVar variation 213072 (VCV000213072.2), dbSNP rs863223484, ClinGen allele CA324108.